The following is an entry in ClinVar:

NM_033118.4(MYLK2):c.1309G>A (p.Glu437Lys)

Gene: MYLK2 (myosin light chain kinase 2; plus strand). Cytogenetic location: 20q11.21.
Variant type: single nucleotide variant.
Coding change: c.1309G>A on transcript NM_033118.4 (MANE Select); coding-DNA position 1309, G replaced by A.
Protein change: p.Glu437Lys; replaces glutamic acid 437 with lysine.
Molecular consequence: missense variant.
Genome position (GRCh38, 1-based): chr20:31,831,026, G>A. VCF-style: chr20-31831026-G-A. GRCh37 (hg19) VCF-style: chr20-30418829-G-A.
Other names: short protein forms E437K.
Identifiers: ClinVar variation 2770132 (VCV002770132.4), dbSNP rs756380111, ClinGen allele CA9803187.

ClinVar aggregate classification (germline): Uncertain significance. Review status: criteria provided, multiple submitters, no conflicts (2 of 4 stars). 2 submissions from 2 submitters: Uncertain significance (2). Last evaluated 2025-07-22.

Conditions:
Hypertrophic cardiomyopathy 1 (CMH1). Also called: MYH7-Related Familial Hypertrophic Cardiomyopathy; Familial hypertrophic cardiomyopathy 1. Identifiers: MedGen C3495498, MONDO:0008647, OMIM 192600.

Allele frequency attached by ClinVar (database versions not stated): TOPMed 0.00002; gnomAD 0.00001; gnomAD exomes 0.00001; ExAC 0.00004.
gnomAD v4.1: 15 of 1,614,040 alleles (0.00093%); highest among the groups gnomAD compares: Admixed American, 0.017%; no homozygotes.

Submissions (2):

Labcorp Genetics (formerly Invitae), Labcorp
Classification: Uncertain significance for Hypertrophic cardiomyopathy 1. Last evaluated: 2025-07-22. Review status: criteria provided, single submitter. Criteria: Invitae Variant Classification Sherloc (09022015). Collection method: clinical testing. Allele origin: germline.
Comment: This sequence change replaces glutamic acid, which is acidic and polar, with lysine, which is basic and polar, at codon 437 of the MYLK2 protein (p.Glu437Lys). This variant is present in population databases (rs756380111, gnomAD 0.03%). This variant has not been reported in the literature in individuals affected with MYLK2-related conditions. ClinVar contains an entry for this variant (Variation ID: 2770132). Invitae Evidence Modeling of protein sequence and biophysical properties (such as structural, functional, and spatial information, amino acid conservation, physicochemical variation, residue mobility, and thermodynamic stability) indicates that this missense variant is not expected to disrupt MYLK2 protein function with a negative predictive value of 80%. In summary, the available evidence is currently insufficient to determine the role of this variant in disease. Therefore, it has been classified as a Variant of Uncertain Significance.

Ambry Genetics
Classification: Uncertain significance. Last evaluated: 2025-04-12. Review status: criteria provided, single submitter. Criteria: Ambry Variant Classification Scheme 2023. Collection method: clinical testing. Allele origin: germline.
Comment: The p.E437K variant (also known as c.1309G>A), located in coding exon 9 of the MYLK2 gene, results from a G to A substitution at nucleotide position 1309. The glutamic acid at codon 437 is replaced by lysine, an amino acid with similar properties. This amino acid position is conserved. In addition, the in silico prediction for this alteration is inconclusive. Based on the available evidence, the clinical significance of this variant remains unclear.